The following is an entry in ClinVar:

NM_001605.3(AARS1):c.2324_2325del (p.Ser775fs)

Gene: AARS1 (alanyl-tRNA synthetase 1; minus strand). Cytogenetic location: 16q22.1.
Variant type: Microsatellite.
Coding change: c.2324_2325del on transcript NM_001605.3 (MANE Select); coding-DNA positions 2324 to 2325, 2 bases deleted (CT; older notation c.2324_2325delCT).
Protein change: p.Ser775fs; shifts the reading frame from serine 775.
Molecular consequence: frameshift variant.
Genome position (GRCh38, 1-based): chr16:70,254,696-70,254,697, AG deleted on the plus strand (CT on the coding strand, the reverse complement: AARS1 is on the minus strand); deleting any 2 consecutive bases within chr16:70,254,696-70,254,702 gives the same sequence; the c. name uses the placement nearest the transcript's 3' end. VCF-style (leftmost placement, unchanged base first): chr16-70254695-CAG-C. GRCh37 (hg19) VCF-style: chr16-70288598-CAG-C.
Other names: short protein forms S775fs.
Identifiers: ClinVar variation 2028990 (VCV002028990.4), dbSNP rs1567601355, ClinGen allele CA623203133.
Genomic context (GRCh38, chr16:70,254,695, plus strand): 5'-CGATCTCCCTCTGCACATCCTTGTTTGGAGCAGTCTGAGCCTTCACTTTGGCTTCCATGA[CAG>C]AGAGACATTTCTTCAAGCTCTCTGCTTTCCTGAGGGCCTGGGAGGGGACACCGGGTCAAC-3'

ClinVar aggregate classification (germline): Pathogenic (1 of 4 stars; one submission).

Conditions:
Charcot-Marie-Tooth disease type 2. Also called: Charcot-Marie-Tooth type 2. Identifiers: Orphanet 64746, MedGen C0270914, MONDO:0018993.

Submission:

Labcorp Genetics (formerly Invitae), Labcorp
Classification: Pathogenic for Charcot-Marie-Tooth disease type 2. Last evaluated: 2023-07-21. Review status: criteria provided, single submitter. Criteria: Invitae Variant Classification Sherloc (09022015). Collection method: clinical testing. Allele origin: germline.
Comment: This sequence change creates a premature translational stop signal (p.Ser775Cysfs*22) in the AARS gene. It is expected to result in an absent or disrupted protein product. Loss-of-function variants in AARS are known to be pathogenic (PMID: 25817015, 28493438, 34446925). This variant is present in population databases (no rsID available, gnomAD 0.006%). This variant has not been reported in the literature in individuals affected with AARS-related conditions. For these reasons, this variant has been classified as Pathogenic.

Literature cited by the submitters: PubMed 25817015; PubMed 28493438; PubMed 34446925.